The following is an entry in ClinVar:

NM_002471.4(MYH6):c.1884C>T (p.Ala628=)

Gene: MYH6 (myosin heavy chain 6; minus strand). Cytogenetic location: 14q11.2.
Variant type: single nucleotide variant.
Coding change: c.1884C>T on transcript NM_002471.4 (MANE Select); coding-DNA position 1884, C replaced by T.
Protein change: p.Ala628=; no amino-acid change (alanine 628 retained).
Molecular consequence: synonymous variant.
Genome position (GRCh38, 1-based): chr14:23,398,735, G>A on the plus strand (C>T on the coding strand, the complement: MYH6 is on the minus strand). VCF-style: chr14-23398735-G-A. GRCh37 (hg19) VCF-style: chr14-23867944-G-A.
Identifiers: ClinVar variation 1623076 (VCV001623076.30), dbSNP rs771423826, ClinGen allele CA7115688.

ClinVar aggregate classification (germline): Likely benign. Review status: criteria provided, multiple submitters, no conflicts (2 of 4 stars). 4 submissions from 4 submitters: Likely benign (4). Last evaluated 2026-08-11.

Conditions:
MYH6-related disorder. Also called: MYH6-Related Disorders; MYH6-related condition.
Hypertrophic cardiomyopathy 14. Identifiers: MedGen C2750467, MONDO:0013197, OMIM 613251.
Cardiovascular phenotype. Identifiers: MedGen CN230736.

Allele frequency attached by ClinVar (database versions not stated): gnomAD exomes 0.00001 and 0.00002; ExAC 0.00002; gnomAD 0.00005 and 0.00006; TOPMed 0.00005.
gnomAD v4.1: 23 of 1,614,008 alleles (0.0014%); highest among the groups gnomAD compares: African/African-American, 0.008%; no homozygotes.

Submissions (4):

PreventionGenetics, part of Exact Sciences
Classification: Likely benign for MYH6-related condition. Last evaluated: 2026-08-11. Review status: criteria provided, single submitter. Criteria: ACMG Guidelines, 2015. Collection method: clinical testing. Allele origin: germline.
Comment: This variant is classified as likely benign based on ACMG/AMP sequence variant interpretation guidelines (Richards et al. 2015 PMID: 25741868, with internal and published modifications).

Ambry Genetics
Classification: Likely benign for Cardiovascular phenotype. Last evaluated: 2026-04-11. Review status: criteria provided, single submitter. Criteria: Ambry Variant Classification Scheme 2023. Collection method: clinical testing. Allele origin: germline.

CeGaT Center for Human Genetics Tuebingen
Classification: Likely benign. Last evaluated: 2024-06-01. Review status: criteria provided, single submitter. Criteria: CeGaT Center For Human Genetics Tuebingen Variant Classification Criteria Version 2. Collection method: clinical testing. Allele origin: germline. Affected: yes. Observed: 1 variant allele.
Comment: MYH6: BP4, BP7

Labcorp Genetics (formerly Invitae), Labcorp
Classification: Likely benign for Hypertrophic cardiomyopathy 14. Last evaluated: 2022-04-24. Review status: criteria provided, single submitter. Criteria: Invitae Variant Classification Sherloc (09022015). Collection method: clinical testing. Allele origin: germline.